The following is an entry in ClinVar:

NM_000899.5(KITLG):c.628G>T (p.Asp210Tyr)

Gene: KITLG (KIT ligand; minus strand). Cytogenetic location: 12q21.32.
Variant type: single nucleotide variant.
Coding change: c.628G>T on transcript NM_000899.5 (MANE Select); coding-DNA position 628, G replaced by T.
Protein change: p.Asp210Tyr; replaces aspartic acid 210 with tyrosine.
Molecular consequence: missense variant.
Genome position (GRCh38, 1-based): chr12:88,507,114, C>A on the plus strand (G>T on the coding strand, the complement: KITLG is on the minus strand). VCF-style: chr12-88507114-C-A. GRCh37 (hg19) VCF-style: chr12-88900891-C-A.
Other names: c.544G>T, p.Asp182Tyr (NM_003994.6); short protein forms D210Y, D182Y.
Identifiers: ClinVar variation 508156 (VCV000508156.14), dbSNP rs41283112, ClinGen allele CA6713647.
Genomic context (GRCh38, chr12:88,507,114, plus strand): 5'-AGCCAATTATAAGAGAAAACAATGCTGGCAATGCCATGGCTGCCCAGTGTAGGCTGGAGT[C>A]TCCAGGGGGATTTTTGGCCTTCCCTATAATTTAAAGAACACACTGATGAATACAGCATAT-3'
Protein context (NP_000890.1, residues 200-220): SNRKAKNPPG[Asp210Tyr]SSLHWAAMAL

ClinVar aggregate classification (germline): Benign/Likely benign. Review status: criteria provided, multiple submitters, no conflicts (2 of 4 stars). 5 submissions from 5 submitters: Benign (4); Likely benign (1). Last evaluated 2026-01-18.

Allele frequency attached by ClinVar (database versions not stated): gnomAD 0.01010 and 0.01027; gnomAD exomes 0.01010; 1000 Genomes Project 0.00399; 1000 Genomes Project 30x 0.00406; TOPMed 0.00893; ExAC 0.01052; ESP Exome Variant Server 0.01176.
gnomAD v4.1: 24,211 of 1,612,446 alleles (1.5%); highest among the groups gnomAD compares: Non-Finnish European, 1.8%; 226 homozygotes.

Submissions (5):

Labcorp Genetics (formerly Invitae), Labcorp
Classification: Benign. Last evaluated: 2026-01-18. Review status: criteria provided, single submitter. Criteria: Invitae Variant Classification Sherloc (09022015). Collection method: clinical testing. Allele origin: germline.

Blueprint Genetics
Classification: Likely benign. Last evaluated: 2024-11-27. Review status: criteria provided, single submitter. Criteria: ACMG Guidelines, 2015. Collection method: clinical testing. Allele origin: germline.

GeneDx
Classification: Benign. Last evaluated: 2018-01-23. Review status: criteria provided, single submitter. Criteria: GeneDx Variant Classification (06012015). Collection method: clinical testing. Allele origin: germline. Affected: yes.
Comment: This variant is considered likely benign or benign based on one or more of the following criteria: it is a conservative change, it occurs at a poorly conserved position in the protein, it is predicted to be benign by multiple in silico algorithms, and/or has population frequency not consistent with disease.

Laboratory for Molecular Medicine, Mass General Brigham Personalized Medicine
Classification: Benign. Last evaluated: 2017-08-23. Review status: criteria provided, single submitter. Criteria: LMM Criteria. Collection method: clinical testing. Allele origin: germline. Observed: 4 variant alleles.
Comment: p.Asp210Tyr in exon 7 of KITLG: This variant is not expected to have clinical si gnificance because it has been identified in 1.55% (1029/66452) of European chro mosomes by the Exome Aggregation Consortium (ExAC, g; dbSNP rs41283112).

Breakthrough Genomics
Classification: Benign. Review status: criteria provided, single submitter. Criteria: ACMG Guidelines, 2015. Collection method: not provided. Allele origin: germline. Inheritance: Autosomal recessive inheritance. Affected: yes.